The following is an entry in ClinVar:

NM_201384.3(PLEC):c.4276C>T (p.Arg1426Trp)

Gene: PLEC (plectin; minus strand). Cytogenetic location: 8q24.3.
Variant type: single nucleotide variant.
Coding change: c.4276C>T on transcript NM_201384.3 (MANE Select); coding-DNA position 4276, C replaced by T.
Protein change: p.Arg1426Trp; replaces arginine 1426 with tryptophan.
Molecular consequence: missense variant.
Genome position (GRCh38, 1-based): chr8:143,925,653, G>A on the plus strand (C>T on the coding strand, the complement: PLEC is on the minus strand). VCF-style: chr8-143925653-G-A. GRCh37 (hg19) VCF-style: chr8-144999821-G-A.
Other names: c.4276C>T, p.Arg1426Trp (NM_201382.4); c.4288C>T, p.Arg1430Trp (NM_201383.3); c.4357C>T, p.Arg1453Trp (NM_000445.5); c.4234C>T, p.Arg1412Trp (NM_201378.4); c.4210C>T, p.Arg1404Trp (NM_201379.3); c.4687C>T, p.Arg1563Trp (NM_201380.4); c.4180C>T, p.Arg1394Trp (NM_201381.3); short protein forms R1430W, R1394W, R1412W, R1426W, R1563W, R1404W, R1453W.
Identifiers: ClinVar variation 1979671 (VCV001979671.4), dbSNP rs781987741, ClinGen allele CA4926717.
Genomic context (GRCh38, chr8:143,925,653, plus strand): 5'-TGCGCTCAGCCGCCTCTGCCTGCCGGGCCTTGGCCTGGATCTCCGCCTCCGAGCTCTGCC[G>A]CAGCTGCTGCAGCTCCTCCTGAATGCTGCGCTTCTGCTGCTGCGCGTCCACCGCCGCCTC-3'
Protein context (NP_958786.1, residues 1416-1436): RSIQEELQQL[Arg1426Trp]QSSEAEIQAK

ClinVar aggregate classification (germline): Uncertain significance (1 of 4 stars; one submission).

Conditions:
Epidermolysis bullosa simplex 5B, with muscular dystrophy (EBS5B). Also called: Epidermolysis bullosa simplex with muscular dystrophy; EPIDERMOLYSIS BULLOSA SIMPLEX AND LIMB-GIRDLE MUSCULAR DYSTROPHY. Identifiers: Orphanet 257, MedGen C2931072, MONDO:0009181, OMIM 226670.
Epidermolysis bullosa simplex, Ogna type (EBS5A). Also called: Pidermolysis bullosa simplex 5A, Ogna type; EPIDERMOLYSIS BULLOSA SIMPLEX 5A, OGNA TYPE. Identifiers: Orphanet 79401, MedGen C0432317, MONDO:0007555, OMIM 131950.
Epidermolysis bullosa simplex 5C, with pyloric atresia (EBS5C). Also called: Epidermolysis bullosa simplex with pyloric atresia; PLEC-Related Epidermolysis Bullosa with Pyloric Atresia; PLEC1-Related Epidermolysis Bullosa with Pyloric Atresia. Identifiers: Orphanet 158684, MedGen C2677349, MONDO:0012807, OMIM 612138.
Autosomal recessive limb-girdle muscular dystrophy type 2Q (LGMDR17). Also called: MUSCULAR DYSTROPHY, LIMB-GIRDLE, AUTOSOMAL RECESSIVE 17. Identifiers: Orphanet 254361, MedGen C3150989, MONDO:0013390, OMIM 613723.
Epidermolysis bullosa simplex with nail dystrophy (EBS5D). Identifiers: MedGen C4225309, MONDO:0014661, OMIM 616487.

Allele frequency attached by ClinVar (database versions not stated): gnomAD exomes below 0.00001; gnomAD 0.00001; ExAC 0.00003.
gnomAD v4.1: 5 of 1,584,692 alleles (0.00032%); highest among the groups gnomAD compares: African/African-American, 0.0013%; no homozygotes.

Submission:

Labcorp Genetics (formerly Invitae), Labcorp
Classification: Uncertain significance for Autosomal recessive limb-girdle muscular dystrophy type 2Q; Epidermolysis bullosa simplex, Ogna type; Epidermolysis bullosa simplex with nail dystrophy; Epidermolysis bullosa simplex 5C, with pyloric atresia; Epidermolysis bullosa simplex 5B, with muscular dystrophy. Last evaluated: 2024-01-22. Review status: criteria provided, single submitter. Criteria: Invitae Variant Classification Sherloc (09022015). Collection method: clinical testing. Allele origin: germline.
Comment: This sequence change replaces arginine, which is basic and polar, with tryptophan, which is neutral and slightly polar, at codon 1453 of the PLEC protein (p.Arg1453Trp). The frequency data for this variant in the population databases is considered unreliable, as metrics indicate poor data quality at this position in the gnomAD database. This variant has not been reported in the literature in individuals affected with PLEC-related conditions. ClinVar contains an entry for this variant (Variation ID: 1979671). Advanced modeling of protein sequence and biophysical properties (such as structural, functional, and spatial information, amino acid conservation, physicochemical variation, residue mobility, and thermodynamic stability) has been performed at Invitae for this missense variant, however the output from this modeling did not meet the statistical confidence thresholds required to predict the impact of this variant on PLEC protein function. In summary, the available evidence is currently insufficient to determine the role of this variant in disease. Therefore, it has been classified as a Variant of Uncertain Significance.